The following is an entry in ClinVar:

NM_000416.3(IFNGR1):c.13T>C (p.Phe5Leu)

Gene: IFNGR1 (interferon gamma receptor 1; minus strand). Cytogenetic location: 6q23.3.
Variant type: single nucleotide variant.
Coding change: c.13T>C on transcript NM_000416.3 (MANE Select); coding-DNA position 13, T replaced by C.
Protein change: p.Phe5Leu; replaces phenylalanine 5 with leucine.
Molecular consequence: missense variant.
Genome position (GRCh38, 1-based): chr6:137,219,315, A>G on the plus strand (T>C on the coding strand, the complement: IFNGR1 is on the minus strand). VCF-style: chr6-137219315-A-G. GRCh37 (hg19) VCF-style: chr6-137540452-A-G.
Other names: short protein forms F5L.
Identifiers: ClinVar variation 2975380 (VCV002975380.3), dbSNP rs749066245, ClinGen allele CA4019111.
Genomic context (GRCh38, chr6:137,219,315, plus strand): 5'-CCAGATCCGCGGTGCCCATCTCAGCCCTGCTCACACCCTGCATGACAAGGGGTAGGAGAA[A>G]GAGGAGAGCCATGCTGCTACCGACGGTCGCTGGCTCCAACCCCGAGCGCCTGCGGGACCA-3'
Protein context (NP_000407.1, residues 1-15): MALL[Phe5Leu]LLPLVMQGVS

ClinVar aggregate classification (germline): Uncertain significance (1 of 4 stars; one submission).

Conditions:
Disseminated atypical mycobacterial infection. Identifiers: MedGen C0694566.

Allele frequency attached by ClinVar (database versions not stated): gnomAD exomes below 0.00001; ExAC 0.00001; TOPMed 0.00001; gnomAD 0.00003.
gnomAD v4.1: 7 of 1,609,074 alleles (0.00044%); highest among the groups gnomAD compares: Non-Finnish European, 0.00059%; no homozygotes.

Submission:

Labcorp Genetics (formerly Invitae), Labcorp
Classification: Uncertain significance for Disseminated atypical mycobacterial infection. Last evaluated: 2024-10-15. Review status: criteria provided, single submitter. Criteria: Invitae Variant Classification Sherloc (09022015). Collection method: clinical testing. Allele origin: germline.
Comment: This sequence change replaces phenylalanine, which is neutral and non-polar, with leucine, which is neutral and non-polar, at codon 5 of the IFNGR1 protein (p.Phe5Leu). The frequency data for this variant in the population databases is considered unreliable, as metrics indicate poor data quality at this position in the gnomAD database. This variant has not been reported in the literature in individuals affected with IFNGR1-related conditions. An algorithm developed to predict the effect of missense changes on protein structure and function outputs the following: PolyPhen-2: "Benign". The leucine amino acid residue is found in multiple mammalian species, which suggests that this missense change does not adversely affect protein function. In summary, the available evidence is currently insufficient to determine the role of this variant in disease. Therefore, it has been classified as a Variant of Uncertain Significance.